The following is an entry in ClinVar:

ClinVar aggregate classification (germline): Uncertain significance (1 of 4 stars; one submission).

Submission:

GeneDx
Classification: Uncertain significance. Last evaluated: 2025-04-28. Review status: criteria provided, single submitter. Criteria: GeneDx Variant Classification Process June 2021. Collection method: clinical testing. Allele origin: germline. Affected: yes.
Comment: Not observed at significant frequency in large population cohorts (gnomAD); Frameshift variant predicted to result in protein truncation or nonsense mediated decay in a gene or region of a gene for which loss of function is not a well-established mechanism of disease; Has not been previously published as pathogenic or benign to our knowledge

NM_198503.5(KCNT2):c.1330_1331del (p.Met444fs)

Gene: KCNT2 (potassium sodium-activated channel subfamily T member 2; minus strand). Cytogenetic location: 1q31.3.
Variant type: Deletion.
Coding change: c.1330_1331del on transcript NM_198503.5 (MANE Select); coding-DNA positions 1330 to 1331, 2 bases deleted (AT; older notation c.1330_1331delAT).
Protein change: p.Met444fs; shifts the reading frame from methionine 444.
Molecular consequence: frameshift variant. On other transcripts: non-coding transcript variant (1).
Genome position (GRCh38, 1-based): chr1:196,373,212-196,373,213, AT deleted on the plus strand (AT on the coding strand, the reverse complement: KCNT2 is on the minus strand). VCF-style (leftmost placement, unchanged base first): chr1-196373211-CAT-C. GRCh37 (hg19) VCF-style: chr1-196342341-CAT-C.
Other names: c.1330_1331del, p.Met444fs (NM_001287819.3, NM_001287820.3); short protein forms M444fs.
Identifiers: ClinVar variation 4527564 (VCV004527564.1).